The following is an entry in ClinVar:

NM_006904.7(PRKDC):c.4234A>G (p.Lys1412Glu)

Gene: PRKDC (protein kinase, DNA-activated, catalytic subunit; minus strand). Cytogenetic location: 8q11.21.
Variant type: single nucleotide variant.
Coding change: c.4234A>G on transcript NM_006904.7 (MANE Select); coding-DNA position 4234, A replaced by G.
Protein change: p.Lys1412Glu; replaces lysine 1412 with glutamic acid.
Molecular consequence: missense variant.
Genome position (GRCh38, 1-based): chr8:47,889,060, T>C on the plus strand (A>G on the coding strand, the complement: PRKDC is on the minus strand). VCF-style: chr8-47889060-T-C. GRCh37 (hg19) VCF-style: chr8-48801621-T-C.
Other names: c.4234A>G, p.Lys1412Glu (NM_001081640.2); short protein forms K1412E.
Identifiers: ClinVar variation 860334 (VCV000860334.5), dbSNP rs768938353, ClinGen allele CA4740976.
Genomic context (GRCh38, chr8:47,889,060, plus strand): 5'-ACCCAAGTACCCACCTCTGTGCTGTTATTTTCTCTCTCAGATGGGTCTCTAGGATATCTT[T>C]GTATGGGGACATCTTTAGAGCTTTCATCAGATTCACACAAACATCAGGAAGATGAGCCAT-3'
Protein context (NP_008835.5, residues 1402-1422): LMKALKMSPY[Lys1412Glu]DILETHLREK

ClinVar aggregate classification (germline): Uncertain significance (1 of 4 stars; one submission).

Conditions:
Severe combined immunodeficiency due to DNA-PKcs deficiency. Also called: IMMUNODEFICIENCY 26 WITH NEUROLOGIC ABNORMALITIES; Immunodeficiency 26 with or without neurologic abnormalities. Identifiers: Orphanet 317425, MedGen C4014833, MONDO:0014423, OMIM 615966.

Allele frequency attached by ClinVar (database versions not stated): gnomAD exomes 0.00001 and 0.00003; ExAC 0.00002; gnomAD 0.00003 and 0.00005; TOPMed 0.00011.
gnomAD v4.1: 20 of 1,613,894 alleles (0.0012%); highest among the groups gnomAD compares: African/African-American, 0.016%; no homozygotes.

Submission:

Labcorp Genetics (formerly Invitae), Labcorp
Classification: Uncertain significance for Severe combined immunodeficiency due to DNA-PKcs deficiency. Last evaluated: 2023-07-06. Review status: criteria provided, single submitter. Criteria: Invitae Variant Classification Sherloc (09022015). Collection method: clinical testing. Allele origin: germline.
Comment: This sequence change replaces lysine, which is basic and polar, with glutamic acid, which is acidic and polar, at codon 1412 of the PRKDC protein (p.Lys1412Glu). This variant is present in population databases (rs768938353, gnomAD 0.02%). This variant has not been reported in the literature in individuals affected with PRKDC-related conditions. ClinVar contains an entry for this variant (Variation ID: 860334). Advanced modeling of protein sequence and biophysical properties (such as structural, functional, and spatial information, amino acid conservation, physicochemical variation, residue mobility, and thermodynamic stability) performed at Invitae indicates that this missense variant is not expected to disrupt PRKDC protein function. In summary, the available evidence is currently insufficient to determine the role of this variant in disease. Therefore, it has been classified as a Variant of Uncertain Significance.